The following is an entry in ClinVar:

NM_001040436.3(YARS2):c.948-213T>C

Gene: YARS2 (tyrosyl-tRNA synthetase 2; minus strand). Cytogenetic location: 12p11.21.
Variant type: single nucleotide variant.
Coding change: c.948-213T>C on transcript NM_001040436.3 (MANE Select); 213 bases into the intron before coding-DNA position 948, T replaced by C.
Molecular consequence: intron variant.
Genome position (GRCh38, 1-based): chr12:32,751,087, A>G on the plus strand (T>C on the coding strand, the complement: YARS2 is on the minus strand). VCF-style: chr12-32751087-A-G. GRCh37 (hg19) VCF-style: chr12-32904021-A-G.
Identifiers: ClinVar variation 680983 (VCV000680983.1), dbSNP rs59203521, ClinGen allele CA235216477.

ClinVar aggregate classification (germline): Likely benign (1 of 4 stars; one submission).

Allele frequency attached by ClinVar (database versions not stated): 1000 Genomes Project 0.00978; 1000 Genomes Project 30x 0.01046; gnomAD 0.01066 and 0.01146; TOPMed 0.01116.
gnomAD v4.1: 1,431 of 134,766 alleles (1.1%); highest among the groups gnomAD compares: African/African-American, 3.8%; 28 homozygotes.

Submission:

GeneDx
Classification: Likely benign. Last evaluated: 2018-06-14. Review status: criteria provided, single submitter. Criteria: GeneDx Variant Classification (06012015). Collection method: clinical testing. Allele origin: germline. Affected: yes.
Comment: This variant is considered likely benign or benign based on one or more of the following criteria: it is a conservative change, it occurs at a poorly conserved position in the protein, it is predicted to be benign by multiple in silico algorithms, and/or has population frequency not consistent with disease.